The following is an entry in ClinVar:

ClinVar aggregate classification (germline): Likely benign. Review status: criteria provided, multiple submitters, no conflicts (2 of 4 stars). 4 submissions from 4 submitters: Likely benign (4). Last evaluated 2026-09-24.

Conditions:
IFT140-related disorder. Also called: IFT140-related condition.
Saldino-Mainzer syndrome (SRTD9). Also called: Renal dysplasia, retinal pigmentary dystrophy, cerebellar ataxia and skeletal dysplasia; short-rib thoracic dysplasia 9 with or without polydactyly; CONORENAL SYNDROME; SHORT-RIB THORACIC DYSPLASIA 9 WITHOUT POLYDACTYLY. Identifiers: Orphanet 140969, MedGen C1849437, MONDO:0009964, OMIM 266920.

Allele frequency attached by ClinVar (database versions not stated): gnomAD 0.00001; TOPMed 0.00002; ExAC 0.00004.
gnomAD v4.1: 46 of 1,614,090 alleles (0.0028%); highest among the groups gnomAD compares: Middle Eastern, 0.016%; no homozygotes.

Submissions (4):

PreventionGenetics, part of Exact Sciences
Classification: Likely benign for IFT140-related condition. Last evaluated: 2026-09-24. Review status: criteria provided, single submitter. Criteria: ACMG Guidelines, 2015. Collection method: clinical testing. Allele origin: germline.
Comment: This variant is classified as likely benign based on ACMG/AMP sequence variant interpretation guidelines (Richards et al. 2015 PMID: 25741868, with internal and published modifications).

CeGaT Center for Human Genetics Tuebingen
Classification: Likely benign. Last evaluated: 2025-10-01. Review status: criteria provided, single submitter. Criteria: CeGaT Center For Human Genetics Tuebingen Variant Classification Criteria Version 2. Collection method: clinical testing. Allele origin: germline. Affected: yes. Observed: 1 variant allele.
Comment: IFT140: BP4, BP7

Labcorp Genetics (formerly Invitae), Labcorp
Classification: Likely benign for Saldino-Mainzer syndrome. Last evaluated: 2024-10-14. Review status: criteria provided, single submitter. Criteria: Invitae Variant Classification Sherloc (09022015). Collection method: clinical testing. Allele origin: germline.

Blueprint Genetics
Classification: Likely benign. Last evaluated: 2021-12-22. Review status: criteria provided, single submitter. Criteria: ACMG Guidelines, 2015. Collection method: clinical testing. Allele origin: germline.

NM_014714.4(IFT140):c.3705G>A (p.Thr1235=)

Gene: IFT140 (intraflagellar transport 140; minus strand). Cytogenetic location: 16p13.3.
Variant type: single nucleotide variant.
Coding change: c.3705G>A on transcript NM_014714.4 (MANE Select); coding-DNA position 3705, G replaced by A.
Protein change: p.Thr1235=; no amino-acid change (threonine 1235 retained).
Molecular consequence: synonymous variant.
Genome position (GRCh38, 1-based): chr16:1,520,299, C>T on the plus strand (G>A on the coding strand, the complement: IFT140 is on the minus strand). VCF-style: chr16-1520299-C-T. GRCh37 (hg19) VCF-style: chr16-1570300-C-T.
Other names: c.3705G>A (NM_014714.3).
Identifiers: ClinVar variation 1618843 (VCV001618843.16), dbSNP rs748820042, ClinGen allele CA7813056.